The following is an entry in ClinVar:

ClinVar aggregate classification (germline): Benign/Likely benign. Review status: criteria provided, multiple submitters, no conflicts (2 of 4 stars). 3 submissions from 3 submitters: Benign (1); Likely benign (2). Last evaluated 2024-10-25.

Conditions:
Birt-Hogg-Dube syndrome 1 (BHD1). Also called: FIBROFOLLICULOMAS WITH TRICHODISCOMAS AND ACROCHORDONS. Identifiers: Orphanet 122, MedGen CN375946, MONDO:0800445, OMIM 135150.
Hereditary cancer-predisposing syndrome. Also called: Hereditary neoplastic syndrome; Neoplastic Syndromes, Hereditary; Tumor predisposition; Hereditary Cancer Syndrome. Identifiers: Orphanet 140162, MedGen C0027672, MeSH D009386, MONDO:0015356.
Birt-Hogg-Dube syndrome. Also called: Birt Hogg Dubé syndrome. Identifiers: Orphanet 122, MedGen C0346010, MONDO:0800444.

Allele frequency attached by ClinVar (database versions not stated): gnomAD exomes below 0.00001.
gnomAD v4.1: 2 of 1,614,130 alleles (0.00012%); highest among the groups gnomAD compares: Admixed American, 0.0017%; no homozygotes.

Submissions (3):

Myriad Genetics, Inc.
Classification: Benign for Birt-Hogg-Dube syndrome 1. Last evaluated: 2024-10-25. Review status: criteria provided, single submitter. Criteria: Myriad Autosomal Dominant, Autosomal Recessive and X-Linked Classification Criteria (2023). Collection method: clinical testing. Allele origin: unknown.
Comment: This variant is considered benign. This variant is a silent/synonymous amino acid change and it is not expected to impact splicing.

Labcorp Genetics (formerly Invitae), Labcorp
Classification: Likely benign for Birt-Hogg-Dube syndrome. Last evaluated: 2024-04-10. Review status: criteria provided, single submitter. Criteria: Invitae Variant Classification Sherloc (09022015). Collection method: clinical testing. Allele origin: germline.

Ambry Genetics
Classification: Likely benign for Hereditary cancer-predisposing syndrome. Last evaluated: 2019-08-08. Review status: criteria provided, single submitter. Criteria: Ambry Variant Classification Scheme 2023. Collection method: clinical testing. Allele origin: germline.

NM_144997.7(FLCN):c.1503C>T (p.Asp501=)

Gene: FLCN (folliculin; minus strand). Cytogenetic location: 17p11.2.
Variant type: single nucleotide variant.
Coding change: c.1503C>T on transcript NM_144997.7 (MANE Select); coding-DNA position 1503, C replaced by T.
Protein change: p.Asp501=; no amino-acid change (aspartic acid 501 retained).
Molecular consequence: synonymous variant.
Genome position (GRCh38, 1-based): chr17:17,215,020, G>A on the plus strand (C>T on the coding strand, the complement: FLCN is on the minus strand). VCF-style: chr17-17215020-G-A. GRCh37 (hg19) VCF-style: chr17-17118334-G-A.
Other names: c.1503C>T (LRG_325t1); c.1557C>T, p.Asp519= (NM_001353229.2); c.1503C>T, p.Asp501= (NM_001353230.2, NM_001353231.2).
Identifiers: ClinVar variation 460599 (VCV000460599.10), dbSNP rs1447641168, ClinGen allele CA498421024.